The following is an entry in ClinVar:

NM_003601.4(SMARCA5):c.1173C>T (p.Phe391=)

Gene: SMARCA5 (SNF2 related chromatin remodeling ATPase 5; plus strand). Cytogenetic location: 4q31.21.
Variant type: single nucleotide variant.
Coding change: c.1173C>T on transcript NM_003601.4 (MANE Select); coding-DNA position 1173, C replaced by T.
Protein change: p.Phe391=; no amino-acid change (phenylalanine 391 retained).
Molecular consequence: synonymous variant.
Genome position (GRCh38, 1-based): chr4:143,534,869, C>T. VCF-style: chr4-143534869-C-T. GRCh37 (hg19) VCF-style: chr4-144456022-C-T.
Identifiers: ClinVar variation 3905421 (VCV003905421.10).
Genomic context (GRCh38, chr4:143,534,869, plus strand): 5'-TTATGTGTAATATTGGTATTACCTGTTTATTTTTGTCCTTTTTAAGGTTTTGCGTCCATT[C>T]CTCCTTCGTCGAATTAAGGCTGATGTTGAAAAGAGTTTGCCTCCAAAGAAGGAAGTAAAA-3'
Protein context (NP_003592.3, residues 381-401): VERLHMVLRP[Phe391=]LLRRIKADVE

ClinVar aggregate classification (germline): Likely benign (1 of 4 stars; one submission).

gnomAD v4.1: 52 of 1,611,786 alleles (0.0032%); highest among the groups gnomAD compares: Admixed American, 0.075%; no homozygotes.

Submission:

CeGaT Center for Human Genetics Tuebingen
Classification: Likely benign. Last evaluated: 2025-06-01. Review status: criteria provided, single submitter. Criteria: CeGaT Center For Human Genetics Tuebingen Variant Classification Criteria Version 2. Collection method: clinical testing. Allele origin: germline. Affected: yes. Observed: 1 variant allele.
Comment: SMARCA5: BP4, BP7